The following is an entry in ClinVar:

NM_004958.4(MTOR):c.4658A>G (p.His1553Arg)

Genes: MTOR (mechanistic target of rapamycin kinase; minus strand), MTOR-AS1 (MTOR antisense RNA 1; plus strand). Cytogenetic location: 1p36.22.
Variant type: single nucleotide variant.
Coding change: c.4658A>G on transcript NM_004958.4 (MANE Select); coding-DNA position 4658, A replaced by G.
Protein change: p.His1553Arg; replaces histidine 1553 with arginine.
Molecular consequence: missense variant.
Genome position (GRCh38, 1-based): chr1:11,146,704, T>C on the plus strand (A>G on the coding strand, the complement: MTOR is on the minus strand). VCF-style: chr1-11146704-T-C. GRCh37 (hg19) VCF-style: chr1-11206761-T-C.
Other names: c.4658A>G, p.His1553Arg (NM_001386500.1); c.3410A>G, p.His1137Arg (NM_001386501.1); short protein forms H1553R, H1137R.
Identifiers: ClinVar variation 1485967 (VCV001485967.8), dbSNP rs1258925756, ClinGen allele CA338368333.

ClinVar aggregate classification (germline): Uncertain significance (1 of 4 stars; one submission).

Allele frequency attached by ClinVar (database versions not stated): gnomAD exomes 0.00001 and below 0.00001; TOPMed 0.00001; gnomAD 0.00001.

Submission:

Labcorp Genetics (formerly Invitae), Labcorp
Classification: Uncertain significance. Last evaluated: 2025-12-03. Review status: criteria provided, single submitter. Criteria: Invitae Variant Classification Sherloc (09022015). Collection method: clinical testing. Allele origin: germline.
Comment: This sequence change replaces histidine, which is basic and polar, with arginine, which is basic and polar, at codon 1553 of the MTOR protein (p.His1553Arg). This variant is present in population databases (no rsID available, gnomAD 0.009%). This variant has not been reported in the literature in individuals affected with MTOR-related conditions. ClinVar contains an entry for this variant (Variation ID: 1485967). Invitae Evidence Modeling of protein sequence and biophysical properties (such as structural, functional, and spatial information, amino acid conservation, physicochemical variation, residue mobility, and thermodynamic stability) indicates that this missense variant is not expected to disrupt MTOR protein function with a negative predictive value of 95%. In summary, the available evidence is currently insufficient to determine the role of this variant in disease. Therefore, it has been classified as a Variant of Uncertain Significance.